The following is an entry in ClinVar:

NM_014213.4(HOXD9):c.463G>T (p.Gly155Trp)

Gene: HOXD9 (homeobox D9; plus strand). Cytogenetic location: 2q31.1.
Variant type: single nucleotide variant.
Coding change: c.463G>T on transcript NM_014213.4 (MANE Select); coding-DNA position 463, G replaced by T.
Protein change: p.Gly155Trp; replaces glycine 155 with tryptophan.
Molecular consequence: missense variant.
Genome position (GRCh38, 1-based): chr2:176,123,231, G>T. VCF-style: chr2-176123231-G-T. GRCh37 (hg19) VCF-style: chr2-176987959-G-T.
Other names: short protein forms G155W.
Identifiers: ClinVar variation 3035685 (VCV003035685.2), dbSNP rs191379716, ClinGen allele CA1977571.
Genomic context (GRCh38, chr2:176,123,231, plus strand): 5'-GGTGGTGGAGGCGGCGGTCCGGGCCGCGGTCCCAGCCCTGGCCCCAGCGGCCCAGCCAAC[G>T]GGCGCCACTACGGGATTAAGCCTGAAACCCGAGCGGCCCCGGCCCCCGCCACGGCCGCCT-3'
Protein context (NP_055028.3, residues 145-165): PSPGPSGPAN[Gly155Trp]RHYGIKPETR

ClinVar aggregate classification (germline): Likely benign (0 of 4 stars; one submission).

Conditions:
HOXD9-related disorder. Also called: HOXD9-related condition.

Allele frequency attached by ClinVar (database versions not stated): 1000 Genomes Project 30x 0.00062; 1000 Genomes Project 0.00080.
gnomAD v4.1: 3,092 of 1,403,262 alleles (0.22%); highest among the groups gnomAD compares: Non-Finnish European, 0.25%; 5 homozygotes.

Submission:

PreventionGenetics, part of Exact Sciences
Classification: Likely benign for HOXD9-related condition. Last evaluated: 2023-02-28. Review status: no assertion criteria provided. Collection method: clinical testing. Allele origin: germline.
Comment: This variant is classified as likely benign based on ACMG/AMP sequence variant interpretation guidelines (Richards et al. 2015 PMID: 25741868, with internal and published modifications).